The following is an entry in ClinVar:

ClinVar aggregate classification (germline): Uncertain significance (1 of 4 stars; one submission).

Conditions:
Von Hippel-Lindau syndrome (VHLS). Also called: Von Hippel-Lindau; von Hippel–Lindau syndrome; VHL syndrome. Identifiers: Orphanet 892, MedGen C0019562, MONDO:0008667, OMIM 193300. Disease mechanism: loss of function.
Chuvash polycythemia. Also called: POLYCYTHEMIA, VHL-DEPENDENT. Identifiers: Orphanet 238557, MedGen C1837915, MONDO:0009892, OMIM 263400.

Submission:

Labcorp Genetics (formerly Invitae), Labcorp
Classification: Uncertain significance for Von Hippel-Lindau syndrome; Chuvash polycythemia. Last evaluated: 2021-01-25. Review status: criteria provided, single submitter. Criteria: Invitae Variant Classification Sherloc (09022015). Collection method: clinical testing. Allele origin: germline.
Comment: In summary, the available evidence is currently insufficient to determine the role of this variant in disease. Therefore, it has been classified as a Variant of Uncertain Significance. Advanced modeling of protein sequence and biophysical properties (such as structural, functional, and spatial information, amino acid conservation, physicochemical variation, residue mobility, and thermodynamic stability) performed at Invitae indicates that this missense variant is not expected to disrupt VHL protein function. This variant has not been reported in the literature in individuals with VHL-related conditions. The frequency data for this variant in the population databases is considered unreliable, as metrics indicate insufficient coverage at this position in the ExAC database. This sequence change replaces glycine with arginine at codon 19 of the VHL protein (p.Gly19Arg). The glycine residue is weakly conserved and there is a moderate physicochemical difference between glycine and arginine.

NM_000551.4(VHL):c.55G>C (p.Gly19Arg)

Gene: VHL (von Hippel-Lindau tumor suppressor; plus strand). Cytogenetic location: 3p25.3.
Variant type: single nucleotide variant.
Coding change: c.55G>C on transcript NM_000551.4 (MANE Select); coding-DNA position 55, G replaced by C.
Protein change: p.Gly19Arg; replaces glycine 19 with arginine.
Molecular consequence: missense variant.
Genome position (GRCh38, 1-based): chr3:10,141,902, G>C. VCF-style: chr3-10141902-G-C. GRCh37 (hg19) VCF-style: chr3-10183586-G-C.
Other names: c.55G>C, p.Gly19Arg (NM_001354723.2, NM_198156.3); short protein forms G19R.
Identifiers: ClinVar variation 1467294 (VCV001467294.8), dbSNP rs1382387188, ClinGen allele CA351747289.